The following is an entry in ClinVar:

ClinVar aggregate classification (germline): Likely benign (1 of 4 stars; one submission).

Submission:

CeGaT Center for Human Genetics Tuebingen
Classification: Likely benign. Last evaluated: 2024-07-01. Review status: criteria provided, single submitter. Criteria: CeGaT Center For Human Genetics Tuebingen Variant Classification Criteria Version 2. Collection method: clinical testing. Allele origin: germline. Affected: yes. Observed: 1 variant allele.
Comment: CDC40: BP4, BP7

NM_015891.3(CDC40):c.1095G>A (p.Gln365=)

Gene: CDC40 (cell division cycle 40; plus strand). Cytogenetic location: 6q21.
Variant type: single nucleotide variant.
Coding change: c.1095G>A on transcript NM_015891.3 (MANE Select); coding-DNA position 1095, G replaced by A.
Protein change: p.Gln365=; no amino-acid change (glutamine 365 retained).
Molecular consequence: synonymous variant.
Genome position (GRCh38, 1-based): chr6:110,219,368, G>A. VCF-style: chr6-110219368-G-A. GRCh37 (hg19) VCF-style: chr6-110540571-G-A.
Identifiers: ClinVar variation 3257065 (VCV003257065.17).